The following is an entry in ClinVar:

NM_001365276.2(TNXB):c.3929A>G (p.Asp1310Gly)

Gene: TNXB (tenascin XB; minus strand). Cytogenetic location: 6p21.33.
Variant type: single nucleotide variant.
Coding change: c.3929A>G on transcript NM_001365276.2 (MANE Select); coding-DNA position 3929, A replaced by G.
Protein change: p.Asp1310Gly; replaces aspartic acid 1310 with glycine.
Molecular consequence: missense variant.
Genome position (GRCh38, 1-based): chr6:32,081,481, T>C on the plus strand (A>G on the coding strand, the complement: TNXB is on the minus strand). VCF-style: chr6-32081481-T-C. GRCh37 (hg19) VCF-style: chr6-32049258-T-C.
Other names: c.4670A>G, p.Asp1557Gly (NM_001428335.1); c.3929A>G, p.Asp1310Gly (NM_019105.8); short protein forms D1310G, D1557G.
Identifiers: ClinVar variation 3227270 (VCV003227270.1), dbSNP rs1779430602, ClinGen allele CA363432755.

ClinVar aggregate classification (germline): Uncertain significance (1 of 4 stars; one submission).

Conditions:
Cardiovascular phenotype. Identifiers: MedGen CN230736.

Allele frequency attached by ClinVar (database versions not stated): gnomAD exomes below 0.00001; gnomAD 0.00001; TOPMed 0.00001.
gnomAD v4.1: 2 of 1,603,622 alleles (0.00012%); highest among the groups gnomAD compares: Non-Finnish European, 0.00017%; no homozygotes.

Submission:

Ambry Genetics
Classification: Uncertain significance for Cardiovascular phenotype. Last evaluated: 2023-10-15. Review status: criteria provided, single submitter. Criteria: Ambry Variant Classification Scheme 2023. Collection method: clinical testing. Allele origin: germline.
Comment: The p.D1310G variant (also known as c.3929A>G), located in coding exon 9 of the TNXB gene, results from an A to G substitution at nucleotide position 3929. The aspartic acid at codon 1310 is replaced by glycine, an amino acid with similar properties. This amino acid position is conserved. In addition, this alteration is predicted to be tolerated by in silico analysis. Since supporting evidence is limited at this time, the clinical significance of this alteration remains unclear.